The following is an entry in ClinVar:

NM_001369.3(DNAH5):c.2942delinsGCAGCA (p.Ile981fs)

Genes: DNAH5 (dynein axonemal heavy chain 5; minus strand), DNAH5-AS1 (DNAH5 antisense RNA 1; plus strand). Cytogenetic location: 5p15.2.
Variant type: Indel.
Coding change: c.2942delinsGCAGCA on transcript NM_001369.3 (MANE Select); coding-DNA position 2942, T replaced by GCAGCA.
Protein change: p.Ile981fs; shifts the reading frame from isoleucine 981.
Molecular consequence: frameshift variant.
Genome position (GRCh38, 1-based): chr5:13,885,030, A replaced by TGCTGC on the plus strand (T replaced by GCAGCA on the coding strand, the reverse complement: DNAH5 is on the minus strand). VCF-style: chr5-13885030-A-TGCTGC. GRCh37 (hg19) VCF-style: chr5-13885139-A-TGCTGC.
Other names: short protein forms I981fs.
Identifiers: ClinVar variation 1726469 (VCV001726469.2), dbSNP rs2547037350, ClinGen allele CA2580072151.
Genomic context (GRCh38, chr5:13,885,030, plus strand): 5'-AACCACACAAGATTATTACCCCGGAAGTTAATTGTGTGAGAGGAATGAATACGTTTGCGA[A>TGCTGC]TGGCCTCTAGTGTATTCCTTGTAACTTTCAGAAGAGCATCCATGTTCTGATGGTTGAAAT-3'

ClinVar aggregate classification (germline): Likely pathogenic (1 of 4 stars; one submission).

Conditions:
Primary ciliary dyskinesia 3. Identifiers: Orphanet 244, MedGen C1837618, MONDO:0012085, OMIM 608644.

Submission:

Myriad Genetics, Inc.
Classification: Likely pathogenic for Primary ciliary dyskinesia 3. Last evaluated: 2021-12-17. Review status: criteria provided, single submitter. Criteria: Myriad Women's Health Autosomal Recessive and X-Linked Classification Criteria (2021). Collection method: clinical testing. Allele origin: unknown.
Comment: NM_001369.2(DNAH5):c.2942del1ins6(I981Sfs*24) is expected to be pathogenic in the context of DNAH5-related primary ciliary dyskinesia. This variant is predicted to lead to an abnormal or absent protein product due to the creation of a premature termination codon in DNAH5, a gene where loss-of-function variants are known to be pathogenic. Please note: this variant was assessed in the context of healthy population screening.